The following is an entry in ClinVar:

NM_000271.5(NPC1):c.89A>T (p.Glu30Val)

Gene: NPC1 (NPC intracellular cholesterol transporter 1; minus strand). Cytogenetic location: 18q11.2.
Variant type: single nucleotide variant.
Coding change: c.89A>T on transcript NM_000271.5 (MANE Select); coding-DNA position 89, A replaced by T.
Protein change: p.Glu30Val; replaces glutamic acid 30 with valine.
Molecular consequence: missense variant.
Genome position (GRCh38, 1-based): chr18:23,573,543, T>A on the plus strand (A>T on the coding strand, the complement: NPC1 is on the minus strand). VCF-style: chr18-23573543-T-A. GRCh37 (hg19) VCF-style: chr18-21153507-T-A.
Other names: short protein forms E30V.
Identifiers: ClinVar variation 597904 (VCV000597904.8), dbSNP rs776166330, ClinGen allele CA8913827.

ClinVar aggregate classification (germline): Uncertain significance. Review status: criteria provided, multiple submitters, no conflicts (2 of 4 stars). 4 submissions from 4 submitters: Uncertain significance (4). Last evaluated 2026-06-30.

Conditions:
Niemann-Pick disease, type C1. Also called: NEUROVISCERAL STORAGE DISEASE WITH VERTICAL SUPRANUCLEAR OPHTHALMOPLEGIA; NIEMANN-PICK DISEASE WITH CHOLESTEROL ESTERIFICATION BLOCK; NIEMANN-PICK DISEASE WITHOUT SPHINGOMYELINASE DEFICIENCY; NIEMANN-PICK DISEASE, CHRONIC NEURONOPATHIC FORM; NIEMANN-PICK DISEASE, VARIANT TYPE C1. Identifiers: Orphanet 646, MedGen C3179455, MONDO:0009757, OMIM 257220.

Allele frequency attached by ClinVar (database versions not stated): gnomAD exomes below 0.00001; ExAC 0.00001; TOPMed 0.00002; gnomAD 0.00003.
gnomAD v4.1: 7 of 1,613,942 alleles (0.00043%); highest among the groups gnomAD compares: African/African-American, 0.0093%; no homozygotes.

Submissions (4):

Myriad Genetics, Inc.
Classification: Uncertain significance for Niemann-Pick disease, type C1. Last evaluated: 2026-06-30. Review status: criteria provided, single submitter. Criteria: Myriad Autosomal Dominant, Autosomal Recessive and X-Linked Classification Criteria (2023). Collection method: clinical testing. Allele origin: unknown.
Comment: NM_000271.4(NPC1):c.89A>T(E30V) is a missense variant classified as a variant of uncertain significance in the context of Niemann-Pick disease type C1. E30V has not been observed in cases with relevant disease. Relevant functional assessments of this variant are not available in the literature. E30V has been observed in referenced population frequency databases. In summary, there is insufficient evidence to classify NM_000271.4(NPC1):c.89A>T(E30V) as pathogenic or benign. Please note: this variant was assessed in the context of healthy population screening.

Labcorp Genetics (formerly Invitae), Labcorp
Classification: Uncertain significance for Niemann-Pick disease, type C1. Last evaluated: 2022-01-16. Review status: criteria provided, single submitter. Criteria: Invitae Variant Classification Sherloc (09022015). Collection method: clinical testing. Allele origin: germline.
Comment: This sequence change replaces glutamic acid, which is acidic and polar, with valine, which is neutral and non-polar, at codon 30 of the NPC1 protein (p.Glu30Val). This variant is present in population databases (rs776166330, gnomAD 0.008%). This variant has not been reported in the literature in individuals affected with NPC1-related conditions. ClinVar contains an entry for this variant (Variation ID: 597904). Algorithms developed to predict the effect of missense changes on protein structure and function are either unavailable or do not agree on the potential impact of this missense change (SIFT: "Tolerated"; PolyPhen-2: "Possibly Damaging"; Align-GVGD: "Class C0"). In summary, the available evidence is currently insufficient to determine the role of this variant in disease. Therefore, it has been classified as a Variant of Uncertain Significance.

Fulgent Genetics
Classification: Uncertain significance for Niemann-Pick disease, type C1. Last evaluated: 2021-08-18. Review status: criteria provided, single submitter. Criteria: ACMG Guidelines, 2015. Collection method: clinical testing. Allele origin: unknown.

Eurofins Ntd Llc (ga)
Classification: Uncertain significance. Last evaluated: 2018-07-06. Review status: criteria provided, single submitter. Criteria: EGL ClinVar v180209 classification definitions. Collection method: clinical testing. Allele origin: germline. Observed: 1 variant allele, 1 heterozygote.